The following is an entry in ClinVar:

NM_001145358.2(SIN3A):c.967G>A (p.Asp323Asn)

Gene: SIN3A (SIN3 transcription regulator family member A; minus strand). Cytogenetic location: 15q24.2.
Variant type: single nucleotide variant.
Coding change: c.967G>A on transcript NM_001145358.2 (MANE Select); coding-DNA position 967, G replaced by A.
Protein change: p.Asp323Asn; replaces aspartic acid 323 with asparagine.
Molecular consequence: missense variant.
Genome position (GRCh38, 1-based): chr15:75,411,533, C>T on the plus strand (G>A on the coding strand, the complement: SIN3A is on the minus strand). VCF-style: chr15-75411533-C-T. GRCh37 (hg19) VCF-style: chr15-75703874-C-T.
Other names: c.967G>A, p.Asp323Asn (NM_001145357.2, NM_015477.3); short protein forms D323N.
Identifiers: ClinVar variation 3615835 (VCV003615835.2).
Genomic context (GRCh38, chr15:75,411,533, plus strand): 5'-CTGAATGGGCACTCCTTACCTGATATGTGTGCAAAATCTCCAGGAATGCTTTGTAGATGT[C>T]TGGTTGGCCCTGAAATCTGTTCTTGATCTTATTAACATAGTTGATGGCATGATTAAACTC-3'
Protein context (NP_001138830.1, residues 313-333): KIKNRFQGQP[Asp323Asn]IYKAFLEILH

ClinVar aggregate classification (germline): Uncertain significance (1 of 4 stars; one submission).

gnomAD v4.1: 5 of 1,614,050 alleles (0.00031%); highest among the groups gnomAD compares: Non-Finnish European, 0.00042%; no homozygotes.

Submission:

Labcorp Genetics (formerly Invitae), Labcorp
Classification: Uncertain significance. Last evaluated: 2025-06-12. Review status: criteria provided, single submitter. Criteria: Invitae Variant Classification Sherloc (09022015). Collection method: clinical testing. Allele origin: germline.
Comment: This sequence change replaces aspartic acid, which is acidic and polar, with asparagine, which is neutral and polar, at codon 323 of the SIN3A protein (p.Asp323Asn). This variant is not present in population databases (gnomAD no frequency). This variant has not been reported in the literature in individuals affected with SIN3A-related conditions. ClinVar contains an entry for this variant (Variation ID: 3615835). Invitae Evidence Modeling of protein sequence and biophysical properties (such as structural, functional, and spatial information, amino acid conservation, physicochemical variation, residue mobility, and thermodynamic stability) indicates that this missense variant is not expected to disrupt SIN3A protein function with a negative predictive value of 80%. In summary, the available evidence is currently insufficient to determine the role of this variant in disease. Therefore, it has been classified as a Variant of Uncertain Significance.